The following is an entry in ClinVar:

NM_017849.4(TMEM127):c.244+3G>C

Gene: TMEM127 (transmembrane protein 127; minus strand). Cytogenetic location: 2q11.2.
Variant type: single nucleotide variant.
Coding change: c.244+3G>C on transcript NM_017849.4 (MANE Select); 3 bases into the intron after coding-DNA position 244, G replaced by C.
Molecular consequence: intron variant.
Genome position (GRCh38, 1-based): chr2:96,265,135, C>G on the plus strand (G>C on the coding strand, the complement: TMEM127 is on the minus strand). VCF-style: chr2-96265135-C-G. GRCh37 (hg19) VCF-style: chr2-96930873-C-G.
Other names: c.244+3G>C (NM_001193304.3).
Identifiers: ClinVar variation 821282 (VCV000821282.12), dbSNP rs1472610237, ClinGen allele CA534634972.

ClinVar aggregate classification (germline): Uncertain significance. Review status: criteria provided, multiple submitters, no conflicts (2 of 4 stars). 2 submissions from 2 submitters: Uncertain significance (2). Last evaluated 2024-09-28.

Conditions:
Hereditary cancer-predisposing syndrome. Also called: Neoplastic Syndromes, Hereditary; Tumor predisposition; Hereditary Cancer Syndrome; Hereditary neoplastic syndrome. Identifiers: Orphanet 140162, MedGen C0027672, MeSH D009386, MONDO:0015356.
Hereditary pheochromocytoma and paraganglioma. Also called: Hereditary Paraganglioma-Pheochromocytoma Syndromes; Hereditary paragangliomas and pheochromocytomas; Hereditary pheochromocytoma-paraganglioma. Identifiers: Orphanet 29072, MedGen C4274332, MONDO:0017366.

Allele frequency attached by ClinVar (database versions not stated): gnomAD exomes below 0.00001.
gnomAD v4.1: 1 of 1,612,178 alleles (0.000062%); highest among the groups gnomAD compares: Non-Finnish European, 0.000085%; no homozygotes.

Submissions (3):

Labcorp Genetics (formerly Invitae), Labcorp
Classification: Uncertain significance for Hereditary pheochromocytoma and paraganglioma. Last evaluated: 2024-09-28. Review status: criteria provided, single submitter. Criteria: Invitae Variant Classification Sherloc (09022015). Collection method: clinical testing. Allele origin: germline.
Comment: This sequence change falls in intron 2 of the TMEM127 gene. It does not directly change the encoded amino acid sequence of the TMEM127 protein. RNA analysis indicates that this variant induces altered splicing and is likely to result in the loss of the initiator methionine. This variant is present in population databases (no rsID available, gnomAD 0.0009%). This variant has not been reported in the literature in individuals affected with TMEM127-related conditions. ClinVar contains an entry for this variant (Variation ID: 821282). Variants that disrupt the consensus splice site are a relatively common cause of aberrant splicing (PMID: 17576681, 9536098). Studies have shown this variant is associated with skipping of exon 2, but one or more of the resulting mRNA isoform(s) may be naturally occurring (internal data). In summary, the available evidence is currently insufficient to determine the role of this variant in disease. Therefore, it has been classified as a Variant of Uncertain Significance.

Ambry Genetics
Classification: Uncertain significance for Hereditary cancer-predisposing syndrome. Last evaluated: 2023-12-12. Review status: criteria provided, single submitter. Criteria: Ambry Variant Classification Scheme 2023. Collection method: clinical testing. Allele origin: germline.
Comment: The c.244+3G>C intronic variant results from a G to C substitution 3 nucleotides after coding exon 1 in the TMEM127 gene. This nucleotide position is not well conserved in available vertebrate species. In silico splice site analysis predicts that this alteration will not have any significant effect on splicing; however, direct evidence is insufficient at this time (Ambry internal data). Since supporting evidence is limited at this time, the clinical significance of this alteration remains unclear.

Dr. Peter K. Rogan Lab, Western University
No classification provided (evidence only). Condition: Acute myeloid leukemia. Review status: no classification provided. Collection method: in vitro. Allele origin: not applicable. Functional consequence: skipped exon, retained intron. Not counted in ClinVar's aggregate classification.

Literature cited by the submitters: PubMed 17576681 (cited by Labcorp Genetics (formerly Invitae), Labcorp); PubMed 9536098 (cited by Labcorp Genetics (formerly Invitae), Labcorp).